The following is an entry in ClinVar:

ClinVar aggregate classification (germline): Conflicting classifications of pathogenicity. Review status: criteria provided, conflicting classifications (1 of 4 stars). 2 submissions from 2 submitters: Pathogenic (1); Uncertain significance (1). Last evaluated 2025-08-20.

Conditions:
Neurodevelopmental disorder with or without hyperkinetic movements and seizures, autosomal dominant. Also called: Intellectual disability, autosomal dominant 8. Identifiers: MedGen C3280282, MONDO:0013655, OMIM 614254.

Submissions (2):

Labcorp Genetics (formerly Invitae), Labcorp
Classification: Uncertain significance for Neurodevelopmental disorder with or without hyperkinetic movements and seizures, autosomal dominant. Last evaluated: 2025-08-20. Review status: criteria provided, single submitter. Criteria: Invitae Variant Classification Sherloc (09022015). Collection method: clinical testing. Allele origin: germline.
Comment: This sequence change replaces serine, which is neutral and polar, with cysteine, which is neutral and slightly polar, at codon 617 of the GRIN1 protein (p.Ser617Cys). This variant is not present in population databases (gnomAD no frequency). This missense change has been observed in individual(s) with GRIN1-related conditions (PMID: 34884460). ClinVar contains an entry for this variant (Variation ID: 2579484). Invitae Evidence Modeling of protein sequence and biophysical properties (such as structural, functional, and spatial information, amino acid conservation, physicochemical variation, residue mobility, and thermodynamic stability) indicates that this missense variant is expected to disrupt GRIN1 protein function with a positive predictive value of 95%. Experimental studies have shown that this missense change affects GRIN1 function (PMID: 34884460). In summary, the available evidence is currently insufficient to determine the role of this variant in disease. Therefore, it has been classified as a Variant of Uncertain Significance.

GeneDx
Classification: Pathogenic. Last evaluated: 2023-03-09. Review status: criteria provided, single submitter. Criteria: GeneDx Variant Classification Process June 2021. Collection method: clinical testing. Allele origin: germline. Affected: yes.
Comment: Not observed at significant frequency in large population cohorts (gnomAD); In silico analysis supports that this missense variant has a deleterious effect on protein structure/function; This variant is associated with the following publications: (PMID: 34884460, 27164704)

Literature cited by the submitters: PubMed 34884460 (cited by Labcorp Genetics (formerly Invitae), Labcorp).

NM_007327.4(GRIN1):c.1850C>G (p.Ser617Cys)

Gene: GRIN1 (glutamate ionotropic receptor NMDA type subunit 1; plus strand). Cytogenetic location: 9q34.3.
Variant type: single nucleotide variant.
Coding change: c.1850C>G on transcript NM_007327.4 (MANE Select); coding-DNA position 1850, C replaced by G.
Protein change: p.Ser617Cys; replaces serine 617 with cysteine.
Molecular consequence: missense variant.
Genome position (GRCh38, 1-based): chr9:137,162,502, C>G. VCF-style: chr9-137162502-C-G. GRCh37 (hg19) VCF-style: chr9-140056954-C-G.
Other names: c.1850C>G, p.Ser617Cys (NM_000832.7, NM_021569.4); c.1913C>G, p.Ser638Cys (NM_001185090.2, NM_001185091.2); short protein forms S617C, S638C.
Identifiers: ClinVar variation 2579484 (VCV002579484.4), dbSNP rs2131298649, ClinGen allele CA375719910.